The following is an entry in ClinVar:

NM_030962.4(SBF2):c.776C>T (p.Pro259Leu)

Gene: SBF2 (SET binding factor 2; minus strand). Cytogenetic location: 11p15.4.
Variant type: single nucleotide variant.
Coding change: c.776C>T on transcript NM_030962.4 (MANE Select); coding-DNA position 776, C replaced by T.
Protein change: p.Pro259Leu; replaces proline 259 with leucine.
Molecular consequence: missense variant.
Genome position (GRCh38, 1-based): chr11:10,000,999, G>A on the plus strand (C>T on the coding strand, the complement: SBF2 is on the minus strand). VCF-style: chr11-10000999-G-A. GRCh37 (hg19) VCF-style: chr11-10022546-G-A.
Other names: c.776C>T, p.Pro259Leu (NM_001386339.1, NM_001386342.1); c.812C>T, p.Pro271Leu (NM_001424318.1); short protein forms P271L, P259L.
Identifiers: ClinVar variation 2585540 (VCV002585540.3), dbSNP rs1359813983, ClinGen allele CA379641979.

ClinVar aggregate classification (germline): Uncertain significance. Review status: criteria provided, multiple submitters, no conflicts (2 of 4 stars). 2 submissions from 2 submitters: Uncertain significance (2). Last evaluated 2024-12-02.

Conditions:
Charcot-Marie-Tooth disease type 4. Also called: Charcot-Marie-Tooth disease, type IV; Charcot-Marie-Tooth, Type 4. Identifiers: Orphanet 64749, MedGen C4082197, MONDO:0018995.
Charcot-Marie-Tooth disease type 4B2. Also called: CHARCOT-MARIE-TOOTH DISEASE, WITH FOCALLY FOLDED MYELIN SHEATHS, AUTOSOMAL RECESSIVE, TYPE 4B2; Charcot-Marie-Tooth Neuropathy Type 4B2; CMT 4B2; CHARCOT-MARIE-TOOTH DISEASE, DEMYELINATING, TYPE 4B2. Identifiers: Orphanet 99956, MedGen C1858278, MONDO:0011475, OMIM 604563.

Allele frequency attached by ClinVar (database versions not stated): gnomAD exomes 0.00001.
gnomAD v4.1: 9 of 1,583,588 alleles (0.00057%); highest among the groups gnomAD compares: East Asian, 0.0022%; no homozygotes.

Submissions (2):

Labcorp Genetics (formerly Invitae), Labcorp
Classification: Uncertain significance for Charcot-Marie-Tooth disease type 4. Last evaluated: 2024-12-02. Review status: criteria provided, single submitter. Criteria: Invitae Variant Classification Sherloc (09022015). Collection method: clinical testing. Allele origin: germline.
Comment: This sequence change replaces proline, which is neutral and non-polar, with leucine, which is neutral and non-polar, at codon 259 of the SBF2 protein (p.Pro259Leu). This variant is present in population databases (no rsID available, gnomAD 0.009%). This missense change has been observed in individual(s) with Charcot-Marie-Tooth disease (internal data). ClinVar contains an entry for this variant (Variation ID: 2585540). Invitae Evidence Modeling of protein sequence and biophysical properties (such as structural, functional, and spatial information, amino acid conservation, physicochemical variation, residue mobility, and thermodynamic stability) indicates that this missense variant is expected to disrupt SBF2 protein function with a positive predictive value of 80%. In summary, the available evidence is currently insufficient to determine the role of this variant in disease. Therefore, it has been classified as a Variant of Uncertain Significance.

Neuberg Centre For Genomic Medicine, NCGM
Classification: Uncertain significance for Charcot-Marie-Tooth disease type 4B2. Review status: criteria provided, single submitter. Criteria: ACMG Guidelines, 2015. Collection method: clinical testing. Allele origin: germline. Inheritance: Autosomal recessive inheritance. Affected: yes.
Comment: The c.776C>T (p.Pro259Leu) missense variant in SBF2 gene has not been reported previously as a pathogenic variant nor as a benign variant, to our knowledge. This variant is reported with the allele frequency (0.0007%) in the gnomAD and novel in 1000 genome database. The amino acid Pro at position 259 is changed to a Leu changing protein sequence and it might alter its composition and physico-chemical properties. The amino acid change p.Pro259Leu in SBF2 is predicted as conserved by GERP++ and PhyloP across 100 vertebrates. For these reasons, this variant has been classified as Variant of Uncertain Significance (VUS).